The following is an entry in ClinVar:

NM_001372076.1(PAX9):c.428A>G (p.Tyr143Cys)

Gene: PAX9 (paired box 9; plus strand). Cytogenetic location: 14q13.3.
Variant type: single nucleotide variant.
Coding change: c.428A>G on transcript NM_001372076.1 (MANE Select); coding-DNA position 428, A replaced by G.
Protein change: p.Tyr143Cys; replaces tyrosine 143 with cysteine.
Molecular consequence: missense variant.
Genome position (GRCh38, 1-based): chr14:36,663,320, A>G. VCF-style: chr14-36663320-A-G. GRCh37 (hg19) VCF-style: chr14-37132525-A-G.
Other names: c.428A>G (NM_006194.3); c.428A>G, p.Tyr143Cys (NM_006194.4); short protein forms Y143C.
Identifiers: ClinVar variation 1143974 (VCV001143974.9), dbSNP rs139008563, ClinGen allele CA7158958.

ClinVar aggregate classification (germline): Conflicting classifications of pathogenicity. Review status: criteria provided, conflicting classifications (1 of 4 stars). 3 submissions from 3 submitters: Uncertain significance (1); Likely benign (2). Last evaluated 2026-06-30.

Conditions:
Hypodontia. Also called: Partial congenital absence of teeth; Tooth agenesis, selective. Identifiers: Orphanet 99798, MedGen C0020608, MONDO:0005486, HP:0000668. Disease mechanism: loss of function.
PAX9-related disorder. Also called: PAX9-related condition.

Allele frequency attached by ClinVar (database versions not stated): TOPMed 0.00019; gnomAD 0.00021 and 0.00023; gnomAD exomes 0.00031 and 0.00037; ExAC 0.00040; ESP Exome Variant Server 0.00046.
gnomAD v4.1: 566 of 1,614,014 alleles (0.035%); highest among the groups gnomAD compares: Non-Finnish European, 0.046%; no homozygotes.

Submissions (3):

PreventionGenetics, part of Exact Sciences
Classification: Uncertain significance for PAX9-related condition. Last evaluated: 2026-06-30. Review status: criteria provided, single submitter. Criteria: ACMG Guidelines, 2015. Collection method: clinical testing. Allele origin: germline.
Comment: The PAX9 c.428A>G variant is predicted to result in the amino acid substitution p.Tyr143Cys. This variant has been reported in an individual with isolated oligodontia (Bergendal et al. 2011. PubMed ID: 21626677; Haddaji Mastouri et al. 2016. PubMed ID: 27491081; Bonczek et al. 2017. PubMed ID: 28155232). This variant is reported in 0.064% of alleles in individuals of European (Non-Finnish) descent in gnomAD. At this time, the clinical significance of this variant is uncertain due to the absence of conclusive functional and genetic evidence.

Labcorp Genetics (formerly Invitae), Labcorp
Classification: Likely benign for Hypodontia. Last evaluated: 2024-02-06. Review status: criteria provided, single submitter. Criteria: Invitae Variant Classification Sherloc (09022015). Collection method: clinical testing. Allele origin: germline.

Breakthrough Genomics
Classification: Likely benign. Review status: criteria provided, single submitter. Criteria: ACMG Guidelines, 2015. Collection method: not provided. Allele origin: germline. Inheritance: Autosomal dominant inheritance. Affected: yes.